The following is an entry in ClinVar:

ClinVar aggregate classification (germline): Uncertain significance. Review status: criteria provided, multiple submitters, no conflicts (2 of 4 stars). 3 submissions from 3 submitters: Uncertain significance (3). Last evaluated 2025-10-23.

Conditions:
Inborn genetic diseases. Identifiers: MedGen C0950123, MeSH D030342.
Intellectual disability. Also called: Intellectual functioning disability; intellectual disabilities; Intellectual developmental disorder. Identifiers: MedGen C3714756, MeSH D008607, MONDO:0001071, HP:0001249.

Allele frequency attached by ClinVar (database versions not stated): TOPMed 0.00001.

Submissions (3):

Labcorp Genetics (formerly Invitae), Labcorp
Classification: Uncertain significance. Last evaluated: 2025-10-23. Review status: criteria provided, single submitter. Criteria: Invitae Variant Classification Sherloc (09022015). Collection method: clinical testing. Allele origin: germline.
Comment: This sequence change replaces proline, which is neutral and non-polar, with threonine, which is neutral and polar, at codon 358 of the MAGEL2 protein (p.Pro358Thr). This variant is present in population databases (no rsID available, gnomAD 0.002%). This variant has not been reported in the literature in individuals affected with MAGEL2-related conditions. ClinVar contains an entry for this variant (Variation ID: 2977318). Experimental studies and prediction algorithms are not available or were not evaluated, and the functional significance of this variant is currently unknown. In summary, the available evidence is currently insufficient to determine the role of this variant in disease. Therefore, it has been classified as a Variant of Uncertain Significance.

Ambry Genetics
Classification: Uncertain significance for Inborn genetic diseases. Last evaluated: 2025-04-14. Review status: criteria provided, single submitter. Criteria: Ambry Variant Classification Scheme 2023. Collection method: clinical testing. Allele origin: germline.

Cambridge Genomics Laboratory, East Genomic Laboratory Hub, NHS Genomic Medicine Service
Classification: Uncertain significance for Intellectual disability. Last evaluated: 2020-05-13. Review status: criteria provided, single submitter. Criteria: ACGS Best Practice Guidelines for Variant Classification in Rare Disease 2020. Collection method: clinical testing. Allele origin: germline. Affected: yes. Observed: 1 variant allele.

NM_019066.5(MAGEL2):c.1072C>A (p.Pro358Thr)

Gene: MAGEL2 (MAGE family member L2; minus strand). Cytogenetic location: 15q11.2.
Variant type: single nucleotide variant.
Coding change: c.1072C>A on transcript NM_019066.5 (MANE Select); coding-DNA position 1072, C replaced by A.
Protein change: p.Pro358Thr; replaces proline 358 with threonine.
Molecular consequence: missense variant.
Genome position (GRCh38, 1-based): chr15:23,646,671, G>T on the plus strand (C>A on the coding strand, the complement: MAGEL2 is on the minus strand). VCF-style: chr15-23646671-G-T. GRCh37 (hg19) VCF-style: chr15-23891818-G-T.
Other names: c.1072C>A (NM_019066.4); short protein forms P358T.
Identifiers: ClinVar variation 2977318 (VCV002977318.5), dbSNP rs576726601, ClinGen allele CA391335234.